The following is an entry in ClinVar:

NM_003242.6(TGFBR2):c.533T>G (p.Val178Gly)

Gene: TGFBR2 (transforming growth factor beta receptor 2; plus strand). Cytogenetic location: 3p24.1.
Variant type: single nucleotide variant.
Coding change: c.533T>G on transcript NM_003242.6 (MANE Select); coding-DNA position 533, T replaced by G.
Protein change: p.Val178Gly; replaces valine 178 with glycine.
Molecular consequence: missense variant. On other transcripts: intron variant (1).
Genome position (GRCh38, 1-based): chr3:30,671,716, T>G. VCF-style: chr3-30671716-T-G. GRCh37 (hg19) VCF-style: chr3-30713208-T-G.
Other names: c.608T>G, p.Val203Gly (NM_001024847.3); c.716T>G, p.Val239Gly (NM_001407126.1); c.641T>G, p.Val214Gly (NM_001407127.1); c.560T>G, p.Val187Gly (NM_001407128.1); c.536T>G, p.Val179Gly (NM_001407129.1); c.533T>G, p.Val178Gly (NM_001407130.1); c.428T>G, p.Val143Gly (NM_001407132.1, NM_001407133.1, NM_001407134.1 and 2 more transcripts); c.248T>G, p.Val83Gly (NM_001407137.1); and 2 more; short protein forms V179G, V187G, V239G, V58G, V203G, V143G, V178G, V214G.
Identifiers: ClinVar variation 2837524 (VCV002837524.3), dbSNP rs1553630079, ClinGen allele CA351807313.

ClinVar aggregate classification (germline): Uncertain significance (1 of 4 stars; one submission).

Conditions:
Familial thoracic aortic aneurysm and aortic dissection (TAAD). Also called: Thoracic aortic aneurysms and dissections. Identifiers: Orphanet 91387, MedGen C4707243, MONDO:0019625.

Submission:

Labcorp Genetics (formerly Invitae), Labcorp
Classification: Uncertain significance for Familial thoracic aortic aneurysm and aortic dissection. Last evaluated: 2023-02-14. Review status: criteria provided, single submitter. Criteria: Invitae Variant Classification Sherloc (09022015). Collection method: clinical testing. Allele origin: germline.
Comment: This sequence change replaces valine, which is neutral and non-polar, with glycine, which is neutral and non-polar, at codon 178 of the TGFBR2 protein (p.Val178Gly). This variant is not present in population databases (gnomAD no frequency). In summary, the available evidence is currently insufficient to determine the role of this variant in disease. Therefore, it has been classified as a Variant of Uncertain Significance. Advanced modeling of protein sequence and biophysical properties (such as structural, functional, and spatial information, amino acid conservation, physicochemical variation, residue mobility, and thermodynamic stability) has been performed at Invitae for this missense variant, however the output from this modeling did not meet the statistical confidence thresholds required to predict the impact of this variant on TGFBR2 protein function. This variant has not been reported in the literature in individuals affected with TGFBR2-related conditions.